The following is an entry in ClinVar:

NM_001379610.1(SPINK1):c.-41G>A

Gene: SPINK1 (serine peptidase inhibitor Kazal type 1; minus strand). Cytogenetic location: 5q32.
Variant type: single nucleotide variant.
Coding change: c.-41G>A on transcript NM_001379610.1 (MANE Select); 41 bases upstream of the start codon, G replaced by A.
Molecular consequence: 5 prime UTR variant.
Genome position (GRCh38, 1-based): chr5:147,831,618, C>T on the plus strand (G>A on the coding strand, the complement: SPINK1 is on the minus strand). VCF-style: chr5-147831618-C-T. GRCh37 (hg19) VCF-style: chr5-147211181-C-T.
Other names: c.-41G>A (NM_001354966.2, NM_003122.5).
Identifiers: ClinVar variation 258912 (VCV000258912.19), dbSNP rs79438751, ClinGen allele CA3494844.
Genomic context (GRCh38, chr5:147,831,618, plus strand): 5'-AAGATGCCTGTTACCTTCATGGCTGAAGTTCTGCGTCCAGAGGTCAGTTGAAAACTGCAC[C>T]GCACTTACCACGTCTCTTCAGAAGCCTGGGACTGGAAGGGTCATATGGCAGATGGCAGCA-3'

ClinVar aggregate classification (germline): Benign/Likely benign. Review status: criteria provided, multiple submitters, no conflicts (2 of 4 stars). 8 submissions from 8 submitters: Benign (6); Likely benign (2). Last evaluated 2025-09-15.

Conditions:
Hereditary pancreatitis (PCTT). Also called: Hereditary chronic pancreatitis; PRSS1-Related Hereditary Pancreatitis. Identifiers: Orphanet 676, MedGen C0238339, MONDO:0008185, OMIM 167800.

Allele frequency attached by ClinVar (database versions not stated): ExAC 0.01177; gnomAD 0.03918 and 0.03655; 1000 Genomes Project 0.04054; TOPMed 0.04246; 1000 Genomes Project 30x 0.04310; gnomAD exomes 0.00962; ESP Exome Variant Server 0.04352.

Submissions (8):

Labcorp Genetics (formerly Invitae), Labcorp
Classification: Benign for Hereditary pancreatitis. Last evaluated: 2025-09-15. Review status: criteria provided, single submitter. Criteria: Invitae Variant Classification Sherloc (09022015). Collection method: clinical testing. Allele origin: germline.

ARUP Laboratories, Molecular Genetics and Genomics, ARUP Laboratories
Classification: Benign. Last evaluated: 2025-07-31. Review status: criteria provided, single submitter. Criteria: ARUP Molecular Germline Variant Investigation Process 2024. Collection method: clinical testing. Allele origin: germline.

KCCC/NGS Laboratory, Kuwait Cancer Control Center
Classification: Benign for Hereditary pancreatitis. Last evaluated: 2023-07-07. Review status: criteria provided, single submitter. Criteria: ACMG Guidelines, 2015. Collection method: clinical testing. Allele origin: germline. Affected: yes.

Sema4
Classification: Benign for Hereditary pancreatitis. Last evaluated: 2019-12-09. Review status: criteria provided, single submitter. Criteria: Sema4 Curation Guidelines. Collection method: curation. Allele origin: germline.

GeneDx
Classification: Benign. Last evaluated: 2018-06-22. Review status: criteria provided, single submitter. Criteria: GeneDx Variant Classification Process June 2021. Collection method: clinical testing. Allele origin: germline. Affected: yes.
Comment: This variant is associated with the following publications: (PMID: 27884173, 17003641, 21610753)

Illumina Laboratory Services, Illumina
Classification: Likely benign for Hereditary pancreatitis. Last evaluated: 2017-04-27. Review status: criteria provided, single submitter. Criteria: ICSL Variant Classification Criteria 13 December 2019. Collection method: clinical testing. Allele origin: germline.
Comment: This variant was observed as part of a predisposition screen in an ostensibly healthy population. A literature search was performed for the gene, cDNA change, and amino acid change (where applicable). Publications were found based on this search. The evidence from the literature, in combination with allele frequency data from public databases where available, was sufficient to determine this variant is unlikely to cause disease. Therefore, this variant is classified as likely benign.

Breakthrough Genomics
Classification: Likely benign. Review status: criteria provided, single submitter. Criteria: ACMG Guidelines, 2015. Collection method: not provided. Allele origin: germline. Inheritance: Autosomal recessive inheritance. Affected: yes.

PreventionGenetics, part of Exact Sciences
Classification: Benign. Review status: criteria provided, single submitter. Criteria: ACMG Guidelines, 2015. Collection method: clinical testing. Allele origin: germline.

Literature cited by the submitters: PubMed 17003641 (cited by Illumina Laboratory Services, Illumina).